The following is an entry in ClinVar:

NM_004211.5(SLC6A5):c.1222T>C (p.Tyr408His)

Gene: SLC6A5 (solute carrier family 6 member 5; plus strand). Cytogenetic location: 11p15.1.
Variant type: single nucleotide variant.
Coding change: c.1222T>C on transcript NM_004211.5 (MANE Select); coding-DNA position 1222, T replaced by C.
Protein change: p.Tyr408His; replaces tyrosine 408 with histidine.
Molecular consequence: missense variant.
Genome position (GRCh38, 1-based): chr11:20,617,846, T>C. VCF-style: chr11-20617846-T-C. GRCh37 (hg19) VCF-style: chr11-20639392-T-C.
Other names: c.520T>C, p.Tyr174His (NM_001318369.2); short protein forms Y174H, Y408H.
Identifiers: ClinVar variation 2088103 (VCV002088103.4), dbSNP rs2494127590, ClinGen allele CA379916439.

ClinVar aggregate classification (germline): Uncertain significance (1 of 4 stars; one submission).

Conditions:
Hyperekplexia 3 (HKPX3). Also called: HYPEREKPLEXIA 3, AUTOSOMAL RECESSIVE; HYPEREKPLEXIA 3, AUTOSOMAL DOMINANT. Identifiers: Orphanet 3197, MedGen C3553288, MONDO:0013827, OMIM 614618.

Submission:

Labcorp Genetics (formerly Invitae), Labcorp
Classification: Uncertain significance for Hyperekplexia 3. Last evaluated: 2022-01-19. Review status: criteria provided, single submitter. Criteria: Invitae Variant Classification Sherloc (09022015). Collection method: clinical testing. Allele origin: germline.
Comment: This sequence change replaces tyrosine, which is neutral and polar, with histidine, which is basic and polar, at codon 408 of the SLC6A5 protein (p.Tyr408His). This variant is not present in population databases (gnomAD no frequency). This variant has not been reported in the literature in individuals affected with SLC6A5-related conditions. Algorithms developed to predict the effect of missense changes on protein structure and function (SIFT, PolyPhen-2, Align-GVGD) all suggest that this variant is likely to be disruptive. In summary, the available evidence is currently insufficient to determine the role of this variant in disease. Therefore, it has been classified as a Variant of Uncertain Significance.